The following is an entry in ClinVar:

ClinVar aggregate classification (germline): Uncertain significance. Review status: criteria provided, multiple submitters, no conflicts (2 of 4 stars). 2 submissions from 2 submitters: Uncertain significance (2). Last evaluated 2024-06-20.

Conditions:
Hyperaldosteronism, familial, type IV (HALD4). Also called: FH IV; ALDOSTERONISM, PRIMARY, AND HYPERTENSION. Identifiers: Orphanet 642671, MedGen C4310756, MONDO:0014875, OMIM 617027.
Idiopathic generalized epilepsy. Also called: Generalised epilepsy; EIG. Identifiers: MedGen C0270850, MONDO:0005579, OMIM 600669.

Allele frequency attached by ClinVar (database versions not stated): gnomAD exomes 0.00002.
gnomAD v4.1: 18 of 1,612,424 alleles (0.0011%); highest among the groups gnomAD compares: Non-Finnish European, 0.0015%; no homozygotes.

Submissions (2):

GeneDx
Classification: Uncertain significance. Last evaluated: 2024-06-20. Review status: criteria provided, single submitter. Criteria: GeneDx Variant Classification Process June 2021. Collection method: clinical testing. Allele origin: germline. Affected: yes.
Comment: Not observed at significant frequency in large population cohorts (gnomAD); In silico analysis supports that this missense variant has a deleterious effect on protein structure/function; Has not been previously published as pathogenic or benign to our knowledge

Labcorp Genetics (formerly Invitae), Labcorp
Classification: Uncertain significance for Idiopathic generalized epilepsy; Hyperaldosteronism, familial, type IV. Last evaluated: 2022-05-20. Review status: criteria provided, single submitter. Criteria: Invitae Variant Classification Sherloc (09022015). Collection method: clinical testing. Allele origin: germline.
Comment: In summary, the available evidence is currently insufficient to determine the role of this variant in disease. Therefore, it has been classified as a Variant of Uncertain Significance. Advanced modeling of protein sequence and biophysical properties (such as structural, functional, and spatial information, amino acid conservation, physicochemical variation, residue mobility, and thermodynamic stability) performed at Invitae indicates that this missense variant is not expected to disrupt CACNA1H protein function. This variant has not been reported in the literature in individuals affected with CACNA1H-related conditions. This variant is not present in population databases (gnomAD no frequency). This sequence change replaces tyrosine, which is neutral and polar, with histidine, which is basic and polar, at codon 1457 of the CACNA1H protein (p.Tyr1457His).

NM_021098.3(CACNA1H):c.4369T>C (p.Tyr1457His)

Gene: CACNA1H (calcium voltage-gated channel subunit alpha1 H; plus strand). Cytogenetic location: 16p13.3.
Variant type: single nucleotide variant.
Coding change: c.4369T>C on transcript NM_021098.3 (MANE Select); coding-DNA position 4369, T replaced by C.
Protein change: p.Tyr1457His; replaces tyrosine 1457 with histidine.
Molecular consequence: missense variant.
Genome position (GRCh38, 1-based): chr16:1,211,499, T>C. VCF-style: chr16-1211499-T-C. GRCh37 (hg19) VCF-style: chr16-1261499-T-C.
Other names: c.4369T>C (NM_021098.2); c.4369T>C, p.Tyr1457His (NM_001005407.2); short protein forms Y1457H.
Identifiers: ClinVar variation 1965385 (VCV001965385.7), dbSNP rs1969445673, ClinGen allele CA394178838.